The following is an entry in ClinVar:

ClinVar aggregate classification (germline): Likely benign (1 of 4 stars; one submission).

Submission:

CeGaT Center for Human Genetics Tuebingen
Classification: Likely benign. Last evaluated: 2022-10-01. Review status: criteria provided, single submitter. Criteria: CeGaT Center For Human Genetics Tuebingen Variant Classification Criteria Version 2. Collection method: clinical testing. Allele origin: germline. Affected: yes. Observed: 1 variant allele.
Comment: DDX11: PM2:Supporting, BP4, BP7

NM_030653.4(DDX11):c.*17T>G

Gene: DDX11 (DEAD/H-box helicase 11; plus strand). Cytogenetic location: 12p11.21.
Variant type: single nucleotide variant.
Coding change: c.*17T>G on transcript NM_030653.4 (MANE Select); 17 bases downstream of the stop codon, T replaced by G.
Molecular consequence: 3 prime UTR variant. On other transcripts: synonymous variant (6), non-coding transcript variant (4).
Genome position (GRCh38, 1-based): chr12:31,103,853, T>G. VCF-style: chr12-31103853-T-G. GRCh37 (hg19) VCF-style: chr12-31256787-T-G.
Other names: c.2733T>G, p.Thr911= (NM_001257144.2, NM_001413695.1, NM_001413696.1 and 1 more transcripts); c.*17T>G (NM_001257145.2, NM_001413692.1, NM_001413693.1 and 9 more transcripts); c.2655T>G, p.Thr885= (NM_001413699.1); c.1872T>G, p.Thr624= (NM_001413704.1).
Identifiers: ClinVar variation 2642823 (VCV002642823.24), dbSNP rs1946839961, ClinGen allele CA479229652.